The following is an entry in ClinVar:

NM_001085458.2(CTNND1):c.2479C>T (p.Gln827Ter)

Genes: CTNND1 (catenin delta 1; plus strand), TMX2-CTNND1 (TMX2-CTNND1 readthrough (NMD candidate); plus strand). Cytogenetic location: 11q12.1.
Variant type: single nucleotide variant.
Coding change: c.2479C>T on transcript NM_001085458.2 (MANE Select); coding-DNA position 2479, C replaced by T.
Protein change: p.Gln827Ter; replaces glutamine 827 with a stop codon.
Molecular consequence: nonsense. On other transcripts: non-coding transcript variant (1).
Genome position (GRCh38, 1-based): chr11:57,810,152, C>T. VCF-style: chr11-57810152-C-T. GRCh37 (hg19) VCF-style: chr11-57577624-C-T.
Other names: c.2461C>T, p.Gln821Ter (NM_001085459.2, NM_001085460.2, NM_001085461.2 and 2 more transcripts); c.2176C>T, p.Gln726Ter (NM_001085463.2, NM_001085466.2); c.2158C>T, p.Gln720Ter (NM_001085464.2, NM_001085465.2, NM_001085467.2 and 3 more transcripts); c.2317C>T, p.Gln773Ter (NM_001206883.2, NM_001206884.2); c.2479C>T, p.Gln827Ter (NM_001206885.2); c.2299C>T, p.Gln767Ter (NM_001206886.2, NM_001206887.2, NM_001206888.2 and 2 more transcripts); short protein forms Q720*, Q726*, Q767*, Q773*, Q821*, Q827*.
Identifiers: ClinVar variation 4819058 (VCV004819058.1).

ClinVar aggregate classification (germline): Pathogenic (1 of 4 stars; one submission).

Conditions:
Blepharocheilodontic syndrome 2 (BCDS2). Identifiers: MedGen C4540127, MONDO:0040503, OMIM 617681.

Submission:

Victorian Clinical Genetics Services, Murdoch Childrens Research Institute
Classification: Pathogenic for Blepharocheilodontic syndrome 2. Last evaluated: 2025-12-11. Review status: criteria provided, single submitter. Criteria: ACMG Guidelines, 2015. Collection method: clinical testing. Allele origin: germline. Affected: yes.
Comment: This variant is classified as Pathogenic. Evidence in support of pathogenic classification: Variant is predicted to cause nonsense-mediated decay (NMD) and loss of protein (premature termination codon is located at least 54 nucleotides upstream of the final exon-exon junction); Variant is absent from gnomAD (v2, v3 and v4); Other NMD-predicted variants comparable to the one identified in this case have very strong previous evidence for pathogenicity (DECIPHER); Additional information: This variant is heterozygous; This gene is associated with autosomal dominant disease; This variant has no previous evidence of pathogenicity; No published evidence of segregation with disease has been identified for this variant; No published functional evidence has been identified for this variant; Loss of function is a known mechanism of disease in this gene and is associated with blepharocheilodontic syndrome 2 (MIM#617681); The condition associated with this gene has incomplete penetrance (OMIM).